The following is an entry in ClinVar:

NM_001145026.2(PTPRQ):c.1359+2T>C

Gene: PTPRQ (protein tyrosine phosphatase receptor type Q; plus strand). Cytogenetic location: 12q21.31.
Variant type: single nucleotide variant.
Coding change: c.1359+2T>C on transcript NM_001145026.2 (MANE Select); the canonical splice donor site of the intron after coding-DNA position 1359, T replaced by C.
Molecular consequence: splice donor variant.
Genome position (GRCh38, 1-based): chr12:80,484,607, T>C. VCF-style: chr12-80484607-T-C. GRCh37 (hg19) VCF-style: chr12-80878386-T-C.
Other names: c.1359+2T>C (NM_001145026.1).
Identifiers: ClinVar variation 597495 (VCV000597495.18), dbSNP rs377572771, ClinGen allele CA6702416.

ClinVar aggregate classification (germline): Pathogenic/Likely pathogenic. Review status: criteria provided, multiple submitters, no conflicts (2 of 4 stars). 6 submissions from 6 submitters: Pathogenic (4); Likely pathogenic (2). Last evaluated 2026-04-30.

Conditions:
Autosomal recessive nonsyndromic hearing loss 84A. Also called: DEAFNESS, AUTOSOMAL RECESSIVE 84A; DEAFNESS, AUTOSOMAL RECESSIVE 84A, WITH VESTIBULAR DYSFUNCTION. Identifiers: Orphanet 90636, MedGen C3150654, MONDO:0013249, OMIM 613391.
PTPRQ-related disorder. Also called: PTPRQ-related condition.
Hearing loss, autosomal dominant 73. Also called: DEAFNESS, AUTOSOMAL DOMINANT 73. Identifiers: MedGen C4540024, MONDO:0033260, OMIM 617663.

Allele frequency attached by ClinVar (database versions not stated): ExAC 0.00005; gnomAD exomes 0.00005 and 0.00007; ESP Exome Variant Server 0.00022; gnomAD 0.00044 and 0.00052; TOPMed 0.00049.
gnomAD v4.1: 133 of 1,548,832 alleles (0.0086%); highest among the groups gnomAD compares: African/African-American, 0.17%; no homozygotes.

Submissions (6):

Laboratory of Molecular, Cellular and Translation Genetics in Otolaryngology/ Lim32-hcfmusp, University of Sao Paulo School of Medicine Clinics Hospital
Classification: Likely pathogenic for Hearing loss, autosomal dominant 73. Last evaluated: 2026-04-30. Review status: criteria provided, single submitter. Criteria: ACMG Guidelines, 2015. Collection method: research. Allele origin: germline. Affected: yes.
Comment: NM_001145026.2:c.1359+2T>C. This variant has been classified as likely pathogenic. It affects the canonical splice donor site and is predicted to result in loss of function in PTPRQ, a gene in which loss of function is an established disease mechanism (PVS1). It is rare in population databases (PM2_supporting). The variant has been repeatedly reported in trans with other pathogenic PTPRQ variants in individuals with autosomal recessive nonsyndromic hearing loss (PM3). Overall, these findings support the causative role of this variant in the proband as described in PMID: 42233699.

Dasa
Classification: Pathogenic. Last evaluated: 2026-01-26. Review status: criteria provided, single submitter. Criteria: DASA Assertion Criteria. Collection method: clinical testing. Allele origin: germline.
Comment: NM_001145026.2(PTPRQ):c.1359+2T>C introduces a premature termination codon predicted to result in loss of normal protein function. Loss-of-function is an established mechanism of disease for this gene. This variant has been observed in affected individuals with related phenotype in a genotype context consistent with recessive disease (PMID: 34515852; PMID: 26969326). This variant has been recurrently observed in individuals with related phenotype (PMID: 34515852; PMID: 26969326). The variant is present at low frequency in population datasets. Based on the available data, this variant is classified as pathogenic.

Variantyx, Inc.
Classification: Pathogenic for Autosomal recessive nonsyndromic hearing loss 84A. Last evaluated: 2025-11-14. Review status: criteria provided, single submitter. Criteria: Variantyx Assertion Criteria 2022. Collection method: clinical testing. Allele origin: germline. Inheritance: Autosomal recessive inheritance. Affected: no.
Comment: This is a canonical splicing variant in the PTPRQ gene (OMIM: 603317). Pathogenic variants in this gene have been associated with autosomal recessive deafness 84A. This splicing variant is expected to result in loss of function, which is a known disease mechanism for PTPRQ in this disorder (PMID: 26969326) (PVS1). The alteration has been identified in the homozygous state in at least one individual reported in the published literature (PMID: 34515852) (PM3). The maximum allele frequency in non-founder control populations of this variant is 0.1662% (PM2). Based on the current evidence, this variant is classified as pathogenic for autosomal recessive deafness 84A.

GeneDx
Classification: Pathogenic. Last evaluated: 2025-11-05. Review status: criteria provided, single submitter. Criteria: GeneDx Variant Classification Process June 2021. Collection method: clinical testing. Allele origin: germline. Affected: yes.
Comment: Canonical splice site variant predicted to result in a null allele in a gene for which loss of function is a known mechanism of disease; This variant is associated with the following publications: (PMID: 34515852, 36147510, 26969326)

PreventionGenetics, part of Exact Sciences
Classification: Likely pathogenic for PTPRQ-related condition. Last evaluated: 2025-06-11. Review status: criteria provided, single submitter. Criteria: ACMG Guidelines, 2015. Collection method: clinical testing. Allele origin: germline.
Comment: The PTPRQ c.1359+2T>C variant is predicted to disrupt the GT donor site and interfere with normal splicing. This variant has been reported along with a second PTPRQ variant as well as in the homozygous state in two individuals with sensorineural hearing loss (Table S3, Sloan-Heggen et al. 2016. PubMed ID: 26969326; Supplementary Tables, Florentine et al. 2022. PubMed ID: 34515852). This variant is reported in 0.18% of alleles in individuals of African descent in gnomAD. Variants that disrupt the consensus splice donor site in PTPRQ are expected to be pathogenic. This variant is interpreted as likely pathogenic.

Eurofins Ntd Llc (ga)
Classification: Pathogenic. Last evaluated: 2018-06-04. Review status: criteria provided, single submitter. Criteria: EGL ClinVar v180209 classification definitions. Collection method: clinical testing. Allele origin: germline. Observed: 1 variant allele, 1 heterozygote.

Literature cited by the submitters: PubMed 42233699 (cited by Laboratory of Molecular, Cellular and Translation Genetics in Otolaryngology/ Lim32-hcfmusp, University of Sao Paulo School of Medicine Clinics Hospital); PubMed 34515852 (cited by Dasa and Variantyx, Inc.); PubMed 26969326 (cited by Dasa and Variantyx, Inc.).